The following is an entry in ClinVar:

NM_003126.4(SPTA1):c.1490C>G (p.Ala497Gly)

Gene: SPTA1 (spectrin alpha, erythrocytic 1; minus strand). Cytogenetic location: 1q23.1.
Variant type: single nucleotide variant.
Coding change: c.1490C>G on transcript NM_003126.4 (MANE Select); coding-DNA position 1490, C replaced by G.
Protein change: p.Ala497Gly; replaces alanine 497 with glycine.
Molecular consequence: missense variant.
Genome position (GRCh38, 1-based): chr1:158,671,452, G>C on the plus strand (C>G on the coding strand, the complement: SPTA1 is on the minus strand). VCF-style: chr1-158671452-G-C. GRCh37 (hg19) VCF-style: chr1-158641242-G-C.
Other names: short protein forms A497G.
Identifiers: ClinVar variation 1697090 (VCV001697090.2), dbSNP rs199604294, ClinGen allele CA343011686.

ClinVar aggregate classification (germline): Uncertain significance (1 of 4 stars; one submission).

gnomAD v4.1: 6 of 1,611,836 alleles (0.00037%); highest among the groups gnomAD compares: Non-Finnish European, 0.00042%; no homozygotes.

Submission:

GeneDx
Classification: Uncertain significance. Last evaluated: 2022-01-06. Review status: criteria provided, single submitter. Criteria: GeneDx Variant Classification Process June 2021. Collection method: clinical testing. Allele origin: germline. Affected: yes.
Comment: Not observed at significant frequency in large population cohorts (gnomAD); In silico analysis supports that this missense variant has a deleterious effect on protein structure/function; Has not been previously published as pathogenic or benign to our knowledge